The following is an entry in ClinVar:

NM_006796.3(AFG3L2):c.2183T>G (p.Leu728Arg)

Genes: AFG3L2 (AFG3 like matrix AAA peptidase subunit 2; minus strand), TUBB6 (tubulin beta 6 class V; plus strand). Cytogenetic location: 18p11.21.
Variant type: single nucleotide variant.
Coding change: c.2183T>G on transcript NM_006796.3 (MANE Select); coding-DNA position 2183, T replaced by G.
Protein change: p.Leu728Arg; replaces leucine 728 with arginine.
Molecular consequence: missense variant. On other transcripts: 3 prime UTR variant (1).
Genome position (GRCh38, 1-based): chr18:12,329,776, A>C on the plus strand (T>G on the coding strand, the complement: AFG3L2 is on the minus strand). VCF-style: chr18-12329776-A-C. GRCh37 (hg19) VCF-style: chr18-12329775-A-C.
Other names: c.*593A>C (NM_001303525.2); short protein forms L728R.
Identifiers: ClinVar variation 4708579 (VCV004708579.1).

ClinVar aggregate classification (germline): Uncertain significance (1 of 4 stars; one submission).

gnomAD v4.1: 2 of 1,613,144 alleles (0.00012%); highest among the groups gnomAD compares: East Asian, 0.0045%; no homozygotes.

Submission:

Labcorp Genetics (formerly Invitae), Labcorp
Classification: Uncertain significance. Last evaluated: 2025-05-27. Review status: criteria provided, single submitter. Criteria: Invitae Variant Classification Sherloc (09022015). Collection method: clinical testing. Allele origin: germline.
Comment: This sequence change replaces leucine, which is neutral and non-polar, with arginine, which is basic and polar, at codon 728 of the AFG3L2 protein (p.Leu728Arg). This variant is not present in population databases (gnomAD no frequency). This variant has not been reported in the literature in individuals affected with AFG3L2-related conditions. Invitae Evidence Modeling of protein sequence and biophysical properties (such as structural, functional, and spatial information, amino acid conservation, physicochemical variation, residue mobility, and thermodynamic stability) indicates that this missense variant is not expected to disrupt AFG3L2 protein function with a negative predictive value of 95%. In summary, the available evidence is currently insufficient to determine the role of this variant in disease. Therefore, it has been classified as a Variant of Uncertain Significance.